The following is an entry in ClinVar:

NM_001159699.2(FHL1):c.519G>A (p.Lys173=)

Gene: FHL1 (four and a half LIM domains 1; plus strand). Cytogenetic location: Xq26.3.
Variant type: single nucleotide variant.
Coding change: c.519G>A on transcript NM_001159699.2 (MANE Select); coding-DNA position 519, G replaced by A.
Protein change: p.Lys173=; no amino-acid change (lysine 173 retained).
Molecular consequence: synonymous variant. On other transcripts: non-coding transcript variant (1).
Genome position (GRCh38, 1-based): chrX:136,207,931, G>A. VCF-style: chrX-136207931-G-A. GRCh37 (hg19) VCF-style: chrX-135290090-G-A.
Other names: c.471G>A, p.Lys157= (NM_001159700.2, NM_001159702.3, NM_001159703.2 and 9 more transcripts); c.558G>A, p.Lys186= (NM_001159701.2); c.519G>A, p.Lys173= (NM_001330659.2).
Identifiers: ClinVar variation 391631 (VCV000391631.10), dbSNP rs750331409, ClinGen allele CA10525022.

ClinVar aggregate classification (germline): Likely benign. Review status: criteria provided, multiple submitters, no conflicts (2 of 4 stars). 2 submissions from 2 submitters: Likely benign (2). Last evaluated 2024-10-05.

Conditions:
X-linked myopathy with postural muscle atrophy. Also called: FHL1-Related Emery-Dreifuss Muscular Dystrophy, X-Linked. Identifiers: Orphanet 178461, MedGen C2678055, MONDO:0010401, OMIM 300696.

Allele frequency attached by ClinVar (database versions not stated): ExAC 0.00001; gnomAD exomes 0.00001.

Submissions (2):

Labcorp Genetics (formerly Invitae), Labcorp
Classification: Likely benign for X-linked myopathy with postural muscle atrophy. Last evaluated: 2024-10-05. Review status: criteria provided, single submitter. Criteria: Invitae Variant Classification Sherloc (09022015). Collection method: clinical testing. Allele origin: germline.

GeneDx
Classification: Likely benign. Last evaluated: 2016-12-15. Review status: criteria provided, single submitter. Criteria: GeneDx Variant Classification (06012015). Collection method: clinical testing. Allele origin: germline. Affected: yes.
Comment: This variant is considered likely benign or benign based on one or more of the following criteria: it is a conservative change, it occurs at a poorly conserved position in the protein, it is predicted to be benign by multiple in silico algorithms, and/or has population frequency not consistent with disease.